The following is an entry in ClinVar:

ClinVar aggregate classification (germline): Likely benign (0 of 4 stars; one submission).

Conditions:
CEP120-related disorder. Also called: CEP120-related condition; CEP120-Related Disorders.

Submission:

PreventionGenetics, part of Exact Sciences
Classification: Likely benign for CEP120-related condition. Last evaluated: 2022-04-26. Review status: no assertion criteria provided. Collection method: clinical testing. Allele origin: germline.
Comment: This variant is classified as likely benign based on ACMG/AMP sequence variant interpretation guidelines (Richards et al. 2015 PMID: 25741868, with internal and published modifications).

NM_001375405.1(CEP120):c.1431-16_1431-10del

Gene: CEP120 (centrosomal protein 120; minus strand). Cytogenetic location: 5q23.2.
Variant type: Deletion.
Coding change: c.1431-16_1431-10del on transcript NM_001375405.1 (MANE Select); 16 bases into the intron before coding-DNA position 1431 through 10 bases into the intron before coding-DNA position 1431, 7 bases deleted (TTTTTTT; older notation c.1431-16_1431-10delTTTTTTT).
Molecular consequence: intron variant.
Genome position (GRCh38, 1-based): chr5:123,386,677-123,386,683, AAAAAAA deleted on the plus strand (TTTTTTT on the coding strand, the reverse complement: CEP120 is on the minus strand); deleting any 7 consecutive bases within chr5:123,386,677-123,386,698 gives the same sequence; the c. name uses the placement nearest the transcript's 3' end. VCF-style (leftmost placement, unchanged base first): chr5-123386676-TAAAAAAA-T. GRCh37 (hg19) VCF-style: chr5-122722370-TAAAAAAA-T.
Other names: c.1353-16_1353-10del (NM_001166226.2); c.1431-16_1431-10del (NM_153223.4, NM_001375407.1); c.858-16_858-10del (NM_001375408.1, NM_001375409.1); c.1296-16_1296-10del (NM_001375406.1).
Identifiers: ClinVar variation 3029921 (VCV003029921.2), dbSNP rs75744800, ClinGen allele CA803137460.
Genomic context (GRCh38, chr5:123,386,676, plus strand): 5'-AGGAGGATTAGTCATAATAGGAGCTGCACTTCCAAAGAATGGATATGAGTACCTAGAATT[TAAAAAAA>T]AAAAAAAAAAAAAAAGCCTTAATGATATGGTTTACAGATGACATTCAGTCTGTTTTTTAG-3'